The following is an entry in ClinVar:

ClinVar aggregate classification (germline): Uncertain significance (1 of 4 stars; one submission).

Conditions:
Paroxysmal nonkinesigenic dyskinesia. Also called: Paroxysmal non-kinesigenic dyskinesia. Identifiers: Orphanet 98810, MedGen C1869117, MONDO:0700088.

Submission:

Labcorp Genetics (formerly Invitae), Labcorp
Classification: Uncertain significance for Paroxysmal nonkinesigenic dyskinesia. Last evaluated: 2022-12-10. Review status: criteria provided, single submitter. Criteria: Invitae Variant Classification Sherloc (09022015). Collection method: clinical testing. Allele origin: germline.
Comment: This variant is not present in population databases (gnomAD no frequency). In summary, the available evidence is currently insufficient to determine the role of this variant in disease. Therefore, it has been classified as a Variant of Uncertain Significance. Advanced modeling of protein sequence and biophysical properties (such as structural, functional, and spatial information, amino acid conservation, physicochemical variation, residue mobility, and thermodynamic stability) performed at Invitae indicates that this missense variant is not expected to disrupt PNKD protein function. This variant has not been reported in the literature in individuals affected with PNKD-related conditions. This sequence change replaces tryptophan, which is neutral and slightly polar, with arginine, which is basic and polar, at codon 317 of the PNKD protein (p.Trp317Arg).

NM_015488.5(PNKD):c.949T>C (p.Trp317Arg)

Genes: PNKD (PNKD metallo-beta-lactamase domain containing; plus strand), CATIP-AS2 (CATIP antisense RNA 2; minus strand). Cytogenetic location: 2q35.
Variant type: single nucleotide variant.
Coding change: c.949T>C on transcript NM_015488.5 (MANE Select); coding-DNA position 949, T replaced by C.
Protein change: p.Trp317Arg; replaces tryptophan 317 with arginine.
Molecular consequence: missense variant.
Genome position (GRCh38, 1-based): chr2:218,344,535, T>C. VCF-style: chr2-218344535-T-C. GRCh37 (hg19) VCF-style: chr2-219209258-T-C.
Other names: c.877T>C, p.Trp293Arg (NM_022572.5); short protein forms W317R, W293R.
Identifiers: ClinVar variation 2820013 (VCV002820013.3), dbSNP rs2469473474, ClinGen allele CA350542906.
Genomic context (GRCh38, chr2:218,344,535, plus strand): 5'-AACCTGGGCTTTGCAGGTGTGGTGGAGCCCGAGAACCTGGCCCGGGAGAGGAAGATGCAG[T>C]GGGTGCAGCGGCAGCGGCTGGAGCGCAAGGGCACGGTGAGGGACTCGGGGTCCAGGAGGA-3'
Protein context (NP_056303.3, residues 307-327): ENLARERKMQ[Trp317Arg]VQRQRLERKG